The following is an entry in ClinVar:

NM_001326342.2(CELF2):c.737A>T (p.Asn246Ile)

Gene: CELF2 (CUGBP Elav-like family member 2; plus strand). Cytogenetic location: 10p14.
Variant type: single nucleotide variant.
Coding change: c.737A>T on transcript NM_001326342.2 (MANE Select); coding-DNA position 737, A replaced by T.
Protein change: p.Asn246Ile; replaces asparagine 246 with isoleucine.
Molecular consequence: missense variant.
Genome position (GRCh38, 1-based): chr10:11,270,784, A>T. VCF-style: chr10-11270784-A-T. GRCh37 (hg19) VCF-style: chr10-11312747-A-T.
Other names: c.644A>T, p.Asn215Ile (NM_001025076.2, NM_001083591.1, NM_001326317.2 and 15 more transcripts); c.716A>T, p.Asn239Ile (NM_001025077.3, NM_001326331.2, NM_001326332.2 and 4 more transcripts); c.32A>T, p.Asn11Ile (NM_001326333.2, NM_001326346.2); c.383A>T, p.Asn128Ile (NM_001326338.2, NM_001326339.2); c.737A>T, p.Asn246Ile (NM_001394513.1, NM_001394518.1, NM_001394519.1 and 4 more transcripts); c.809A>T, p.Asn270Ile (NM_001326325.2); c.752A>T, p.Asn251Ile (NM_001326326.2, NM_001326327.2); c.668A>T, p.Asn223Ile (NM_001326347.1); short protein forms N11I, N128I, N215I, N223I, N239I, N246I, N251I, N270I.
Identifiers: ClinVar variation 1711253 (VCV001711253.30), dbSNP rs2548891611, ClinGen allele CA375969273.

ClinVar aggregate classification (germline): Uncertain significance (1 of 4 stars; one submission).

Submission:

CeGaT Center for Human Genetics Tuebingen
Classification: Uncertain significance. Last evaluated: 2022-08-01. Review status: criteria provided, single submitter. Criteria: CeGaT Center For Human Genetics Tuebingen Variant Classification Criteria Version 2. Collection method: clinical testing. Allele origin: germline. Affected: yes. Observed: 1 variant allele.
Comment: CELF2: PM2, PP2, PP3